The following is an entry in ClinVar:

NM_000238.4(KCNH2):c.2411T>C (p.Ile804Thr)

Gene: KCNH2 (potassium voltage-gated channel subfamily H member 2; minus strand). Cytogenetic location: 7q36.1.
Variant type: single nucleotide variant.
Coding change: c.2411T>C on transcript NM_000238.4 (MANE Select); coding-DNA position 2411, T replaced by C.
Protein change: p.Ile804Thr; replaces isoleucine 804 with threonine.
Molecular consequence: missense variant. On other transcripts: non-coding transcript variant (2).
Genome position (GRCh38, 1-based): chr7:150,949,037, A>G on the plus strand (T>C on the coding strand, the complement: KCNH2 is on the minus strand). VCF-style: chr7-150949037-A-G. GRCh37 (hg19) VCF-style: chr7-150646125-A-G.
Other names: p.Ile804Thr; c.2123T>C, p.Ile708Thr (NM_001406753.1); c.1391T>C, p.Ile464Thr (NM_172057.3); short protein forms I464T, I708T, I804T.
Identifiers: ClinVar variation 4536601 (VCV004536601.3).

ClinVar aggregate classification (germline): Uncertain significance. Review status: criteria provided, multiple submitters, no conflicts (2 of 4 stars). 3 submissions from 3 submitters: Uncertain significance (3). Last evaluated 2025-06-05.

Conditions:
Long QT syndrome (LQTS). Identifiers: MedGen C0023976, MeSH D008133, MONDO:0002442. Disease mechanism: loss of function. Inheritance: Various modes of inheritance.

Submissions (3):

GeneDx
Classification: Uncertain significance. Last evaluated: 2025-06-05. Review status: criteria provided, single submitter. Criteria: GeneDx Variant Classification Process June 2021. Collection method: clinical testing. Allele origin: germline. Affected: yes.
Comment: Not observed at significant frequency in large population cohorts (gnomAD); In silico analysis supports that this missense variant has a deleterious effect on protein structure/function; Has not been previously published as pathogenic or benign to our knowledge

Mayo Clinic Laboratories, Mayo Clinic
Classification: Uncertain significance. Last evaluated: 2025-05-14. Review status: criteria provided, single submitter. Criteria: ACMG Guidelines, 2015. Collection method: clinical testing. Allele origin: germline. Observed: 1 variant allele.
Comment: PP2, PP3_moderate, PM1_supporting, PM2_supporting

Labcorp Genetics (formerly Invitae), Labcorp
Classification: Uncertain significance for Long QT syndrome. Last evaluated: 2025-03-19. Review status: criteria provided, single submitter. Criteria: Invitae Variant Classification Sherloc (09022015). Collection method: clinical testing. Allele origin: germline.
Comment: This sequence change replaces isoleucine, which is neutral and non-polar, with threonine, which is neutral and polar, at codon 804 of the KCNH2 protein (p.Ile804Thr). This variant is not present in population databases (gnomAD no frequency). This variant has not been reported in the literature in individuals affected with KCNH2-related conditions. An algorithm developed to predict the effect of missense changes on protein structure and function (PolyPhen-2) suggests that this variant is likely to be disruptive. In summary, the available evidence is currently insufficient to determine the role of this variant in disease. Therefore, it has been classified as a Variant of Uncertain Significance.